The following is an entry in ClinVar:

NM_144997.7(FLCN):c.20T>C (p.Leu7Pro)

Gene: FLCN (folliculin; minus strand). Cytogenetic location: 17p11.2.
Variant type: single nucleotide variant.
Coding change: c.20T>C on transcript NM_144997.7 (MANE Select); coding-DNA position 20, T replaced by C.
Protein change: p.Leu7Pro; replaces leucine 7 with proline.
Molecular consequence: missense variant.
Genome position (GRCh38, 1-based): chr17:17,228,118, A>G on the plus strand (T>C on the coding strand, the complement: FLCN is on the minus strand). VCF-style: chr17-17228118-A-G. GRCh37 (hg19) VCF-style: chr17-17131432-A-G.
Other names: c.20T>C, p.Leu7Pro (NM_001353229.2, NM_001353230.2, NM_001353231.2 and 1 more transcripts); short protein forms L7P.
Identifiers: ClinVar variation 4710322 (VCV004710322.1).

ClinVar aggregate classification (germline): Uncertain significance (1 of 4 stars; one submission).

Conditions:
Birt-Hogg-Dube syndrome. Also called: Birt Hogg Dubé syndrome. Identifiers: Orphanet 122, MedGen C0346010, MONDO:0800444.

Submission:

Labcorp Genetics (formerly Invitae), Labcorp
Classification: Uncertain significance for Birt-Hogg-Dube syndrome. Last evaluated: 2025-09-23. Review status: criteria provided, single submitter. Criteria: Invitae Variant Classification Sherloc (09022015). Collection method: clinical testing. Allele origin: germline.
Comment: This sequence change replaces leucine, which is neutral and non-polar, with proline, which is neutral and non-polar, at codon 7 of the FLCN protein (p.Leu7Pro). This variant is not present in population databases (gnomAD no frequency). This missense change has been observed in individual(s) with clinical features of Birt-Hogg-Dubé syndrome (PMID: 27220747; internal data). Invitae Evidence Modeling of protein sequence and biophysical properties (such as structural, functional, and spatial information, amino acid conservation, physicochemical variation, residue mobility, and thermodynamic stability) indicates that this missense variant is expected to disrupt FLCN protein function with a positive predictive value of 80%. In summary, the available evidence is currently insufficient to determine the role of this variant in disease. Therefore, it has been classified as a Variant of Uncertain Significance.

Literature cited by the submitters: PubMed 27220747.